The following is an entry in ClinVar:

NM_000051.4(ATM):c.5162dup (p.Leu1722fs)

Gene: ATM (ATM serine/threonine kinase; plus strand). Cytogenetic location: 11q22.3.
Variant type: Duplication.
Coding change: c.5162dup on transcript NM_000051.4 (MANE Select); coding-DNA position 5162, one base duplicated (C; older notation c.5162dupC).
Protein change: p.Leu1722fs; shifts the reading frame from leucine 1722.
Molecular consequence: frameshift variant.
Genome position (GRCh38, 1-based): chr11:108,299,870, C duplicated. VCF-style (leftmost placement, unchanged base first): chr11-108299869-A-AC. GRCh37 (hg19) VCF-style: chr11-108170596-A-AC.
Other names: c.5162dup, p.Leu1722fs (NM_001351834.2); short protein forms L1722fs.
Identifiers: ClinVar variation 918827 (VCV000918827.3), dbSNP rs2083337165, ClinGen allele CA913188434.

ClinVar aggregate classification (germline): Pathogenic (1 of 4 stars; one submission).

Conditions:
Hereditary cancer-predisposing syndrome. Also called: Neoplastic Syndromes, Hereditary; Tumor predisposition; Hereditary Cancer Syndrome; Hereditary neoplastic syndrome. Identifiers: Orphanet 140162, MedGen C0027672, MeSH D009386, MONDO:0015356.

Submission:

Color Diagnostics, LLC DBA Color Health
Classification: Pathogenic for Hereditary cancer-predisposing syndrome. Last evaluated: 2020-01-15. Review status: criteria provided, single submitter. Criteria: ACMG Guidelines, 2015. Collection method: clinical testing. Allele origin: germline.
Comment: This variant inserts 1 nucleotide in exon 34 of the ATM gene, creating a frameshift and premature translation stop signal. This variant is expected to result in an absent or non-functional protein product. This variant has not been identified in the general population by the Genome Aggregation Database (gnomAD). Loss of ATM function is a known mechanism of disease. Based on the available evidence, this variant is classified as Pathogenic.